The following is an entry in ClinVar:

NM_024678.6(NARS2):c.529C>G (p.His177Asp)

Gene: NARS2 (asparaginyl-tRNA synthetase 2, mitochondrial; minus strand). Cytogenetic location: 11q14.1.
Variant type: single nucleotide variant.
Coding change: c.529C>G on transcript NM_024678.6 (MANE Select); coding-DNA position 529, C replaced by G.
Protein change: p.His177Asp; replaces histidine 177 with aspartic acid.
Molecular consequence: missense variant. On other transcripts: 5 prime UTR variant (1).
Genome position (GRCh38, 1-based): chr11:78,559,604, G>C on the plus strand (C>G on the coding strand, the complement: NARS2 is on the minus strand). VCF-style: chr11-78559604-G-C. GRCh37 (hg19) VCF-style: chr11-78270650-G-C.
Other names: c.-153C>G (NM_001243251.2); short protein forms H177D.
Identifiers: ClinVar variation 2428788 (VCV002428788.2), dbSNP rs774161803, ClinGen allele CA6205800.

ClinVar aggregate classification (germline): Uncertain significance (1 of 4 stars; one submission).

Allele frequency attached by ClinVar (database versions not stated): ExAC 0.00001; gnomAD 0.00003.
gnomAD v4.1: 29 of 1,611,676 alleles (0.0018%); highest among the groups gnomAD compares: Non-Finnish European, 0.0023%; no homozygotes.

Submission:

GeneDx
Classification: Uncertain significance. Last evaluated: 2022-08-04. Review status: criteria provided, single submitter. Criteria: GeneDx Variant Classification Process June 2021. Collection method: clinical testing. Allele origin: germline. Affected: yes.
Comment: Not observed at significant frequency in large population cohorts (gnomAD); In silico analysis supports that this missense variant has a deleterious effect on protein structure/function; Has not been previously published as pathogenic or benign to our knowledge